The following is an entry in ClinVar:

ClinVar aggregate classification (germline): Likely benign. Review status: criteria provided, multiple submitters, no conflicts (2 of 4 stars). 3 submissions from 3 submitters: Likely benign (3). Last evaluated 2024-08-07.

Conditions:
Tuberous sclerosis 1 (TSC1). Identifiers: Orphanet 805, MedGen C1854465, MONDO:0008612, OMIM 191100.
Tuberous sclerosis syndrome (TSC). Also called: Tuberous Sclerosis Complex; Tuberous sclerosis. Identifiers: Orphanet 805, MedGen C0041341, MONDO:0001734.

Allele frequency attached by ClinVar (database versions not stated): gnomAD 0.00001; TOPMed 0.00001; ExAC 0.00002.
gnomAD v4.1: 9 of 1,613,844 alleles (0.00056%); highest among the groups gnomAD compares: East Asian, 0.0067%; no homozygotes.

Submissions (3):

Myriad Genetics, Inc.
Classification: Likely benign for Tuberous sclerosis 1. Last evaluated: 2024-08-07. Review status: criteria provided, single submitter. Criteria: Myriad Autosomal Dominant, Autosomal Recessive and X-Linked Classification Criteria (2023). Collection method: clinical testing. Allele origin: unknown.
Comment: This variant is considered likely benign. This variant has been observed at a population frequency that is significantly greater than expected given the associated disease prevalence and penetrance.

All of Us Research Program, National Institutes of Health
Classification: Likely benign for Tuberous sclerosis syndrome. Last evaluated: 2023-10-06. Review status: criteria provided, single submitter. Criteria: ACMG Guidelines, 2015. Collection method: clinical testing. Allele origin: germline. Inheritance: Autosomal dominant inheritance. Observed: 2 variant alleles, 2 heterozygotes.
Comment: This study involves interpretation of variants in research participants for the purpose of population health screening. Participant phenotype was not available at the time of variant classification. Additional details can be found in publication PMID: 35346344, PMCID: PMC8962531

Color Diagnostics, LLC DBA Color Health
Classification: Likely benign for Tuberous sclerosis syndrome. Last evaluated: 2022-05-13. Review status: criteria provided, single submitter. Criteria: ACMG Guidelines, 2015. Collection method: clinical testing. Allele origin: germline.

NM_000368.5(TSC1):c.-10G>A

Gene: TSC1 (TSC complex subunit 1; minus strand). Cytogenetic location: 9q34.13.
Variant type: single nucleotide variant.
Coding change: c.-10G>A on transcript NM_000368.5 (MANE Select); 10 bases upstream of the start codon, G replaced by A.
Molecular consequence: 5 prime UTR variant. On other transcripts: non-coding transcript variant (5), intron variant (2).
Genome position (GRCh38, 1-based): chr9:132,928,882, C>T on the plus strand (G>A on the coding strand, the complement: TSC1 is on the minus strand). VCF-style: chr9-132928882-C-T. GRCh37 (hg19) VCF-style: chr9-135804269-C-T.
Other names: c.-10G>A (NM_001162426.2, NM_001162427.2, NM_001406592.1 and 21 more transcripts); c.-269G>A (NM_001362177.2, NM_001406617.1, NM_001406619.1 and 3 more transcripts); c.-361G>A (NM_001406614.1); c.-498G>A (NM_001406615.1, NM_001406623.1); c.-465G>A (NM_001406616.1, NM_001406624.1); c.-887G>A (NM_001406626.1, NM_001406627.1, NM_001406628.1); c.-1029G>A (NM_001406629.1); c.-1103G>A (NM_001406630.1); and 1 more.
Identifiers: ClinVar variation 3073628 (VCV003073628.3), dbSNP rs756989263, ClinGen allele CA027043.
Genomic context (GRCh38, chr9:132,928,882, plus strand): 5'-GGGGGAGTCCAGCATGGCAAGAAGCTCCCCGACATTTGCTTGTTGGGCCATTCTCTCGCT[C>T]GAAGGCGCTGTGCTGGCTCCAGGACGTGTGCTACAGGTTCTGAAGGTTCTTCATTGGGGC-3'